The following is an entry in ClinVar:

NM_003709.4(KLF7):c.398T>G (p.Val133Gly)

Gene: KLF7 (KLF transcription factor 7; minus strand). Cytogenetic location: 2q33.3.
Variant type: single nucleotide variant.
Coding change: c.398T>G on transcript NM_003709.4 (MANE Select); coding-DNA position 398, T replaced by G.
Protein change: p.Val133Gly; replaces valine 133 with glycine.
Molecular consequence: missense variant.
Genome position (GRCh38, 1-based): chr2:207,124,109, A>C on the plus strand (T>G on the coding strand, the complement: KLF7 is on the minus strand). VCF-style: chr2-207124109-A-C. GRCh37 (hg19) VCF-style: chr2-207988833-A-C.
Other names: c.398T>G, p.Val133Gly (NM_001270942.1); c.299T>G, p.Val100Gly (NM_001270943.2); c.314T>G, p.Val105Gly (NM_001270944.2); short protein forms V100G, V105G, V133G.
Identifiers: ClinVar variation 2637281 (VCV002637281.1), dbSNP rs2469209595, ClinGen allele CA350157613.

ClinVar aggregate classification (germline): Uncertain significance (1 of 4 stars; one submission).

Conditions:
KLF7-related disorder.

Submission:

PreventionGenetics, part of Exact Sciences
Classification: Uncertain significance for KLF7-related condition. Last evaluated: 2022-10-28. Review status: criteria provided, single submitter. Criteria: ACMG Guidelines, 2015. Collection method: clinical testing. Allele origin: germline.
Comment: The KLF7 c.398T>G variant is predicted to result in the amino acid substitution p.Val133Gly. To our knowledge, this variant has not been reported in the literature or in a large population database, indicating this variant is rare. At this time, the clinical significance of this variant is uncertain due to the absence of conclusive functional and genetic evidence.